The following is an entry in ClinVar:

ClinVar aggregate classification (germline): Uncertain significance (1 of 4 stars; one submission).

Conditions:
Loeys-Dietz syndrome 4 (LDS4). Also called: ANEURYSM, AORTIC AND CEREBRAL, WITH ARTERIAL TORTUOSITY AND SKELETAL MANIFESTATIONS; TGFB2-Related Loeys-Dietz Syndrome. Identifiers: MedGen C3553762, MONDO:0013897, OMIM 614816.

Submission:

Institute of Human Genetics, University of Goettingen
Classification: Uncertain significance for Loeys-Dietz syndrome 4. Last evaluated: 2024-03-19. Review status: criteria provided, single submitter. Criteria: ACMG Guidelines, 2015. Collection method: clinical testing. Allele origin: unknown. Inheritance: Autosomal dominant inheritance. Observed: 1 heterozygote.
Comment: The variant c.755G>T (p.(Gly252Val)) in exon 5 of the TGFB2 gene is not found in the gnomAD database. In silico splice prediction programs (SpliceAI & Pangolin) suggest a potential impact on splicing (predicted change at acceptor splice site: loss of 3’ acceptor splice site). Truncating variants in TGFB2 are a known mechanism of disease and associated with Loeys-Dietz syndrome.The available evidence is currently insufficient to determine the role of this variant in disease. ACMG criteria used for classification: PM2_sup, PP3.

NM_003238.6(TGFB2):c.755G>T (p.Gly252Val)

Gene: TGFB2 (transforming growth factor beta 2; plus strand). Cytogenetic location: 1q41.
Variant type: single nucleotide variant.
Coding change: c.755G>T on transcript NM_003238.6 (MANE Select); coding-DNA position 755, G replaced by T.
Protein change: p.Gly252Val; replaces glycine 252 with valine.
Molecular consequence: missense variant.
Genome position (GRCh38, 1-based): chr1:218,435,970, G>T. VCF-style: chr1-218435970-G-T. GRCh37 (hg19) VCF-style: chr1-218609312-G-T.
Other names: c.839G>T, p.Gly280Val (NM_001135599.4); short protein forms G252V, G280V.
Identifiers: ClinVar variation 3062031 (VCV003062031.2), dbSNP rs2464871377, ClinGen allele CA344726990.
Genomic context (GRCh38, chr1:218,435,970, plus strand): 5'-GCTGACTATATTTGATGAAGGTGAAGCTAAATGTTTATTACCCAAATGCATTTTTTCAAG[G>T]TATTGATGGCACCTCCACATATACCAGTGGTGATCAGAAAACTATAAAGTCCACTAGGAA-3'
Protein context (NP_003229.1, residues 242-262): KSEELEARFA[Gly252Val]IDGTSTYTSG